The following is an entry in ClinVar:

ClinVar aggregate classification (germline): Likely pathogenic (1 of 4 stars; one submission).

Conditions:
Schöpf-Schulz-Passarge syndrome. Also called: ECCRINE TUMORS WITH ECTODERMAL DYSPLASIA; KERATOSIS PALMOPLANTARIS WITH CYSTIC EYELIDS, HYPODONTIA, AND HYPOTRICHOSIS; SchC6pf-Schulz-Passarge syndrome. Identifiers: Orphanet 50944, MedGen C1857069, MONDO:0009145, OMIM 224750.

Submission:

Natera, Inc.
Classification: Likely pathogenic for Schopf-Schulz-Passarge syndrome. Last evaluated: 2025-11-07. Review status: criteria provided, single submitter. Criteria: Natera Variant Classification Schema (03/2026). Collection method: clinical testing. Allele origin: germline.
Comment: The c.114-1G>A variant in WNT10A is a canonical splice acceptor site variant predicted to affect pre-mRNA splicing, which may result in an abnormal transcript and altered protein product. This variant is expected to result in nonsense mediated decay, truncation, or a dysfunctional protein product. This variant is rare in the general population with a frequency below the threshold expected for the associated phenotype(s). Given the available evidence, this variant is classified as Likely Pathogenic.

NM_025216.3(WNT10A):c.114-1G>A

Gene: WNT10A (Wnt family member 10A; plus strand). Cytogenetic location: 2q35.
Variant type: single nucleotide variant.
Coding change: c.114-1G>A on transcript NM_025216.3 (MANE Select); the canonical splice acceptor site of the intron before coding-DNA position 114, G replaced by A.
Molecular consequence: splice acceptor variant.
Genome position (GRCh38, 1-based): chr2:218,882,160, G>A. VCF-style: chr2-218882160-G-A. GRCh37 (hg19) VCF-style: chr2-219746882-G-A.
Identifiers: ClinVar variation 4816259 (VCV004816259.1).